The following is an entry in ClinVar:

NM_006035.4(CDC42BPB):c.1164C>A (p.His388Gln)

Gene: CDC42BPB (CDC42 binding protein kinase beta; minus strand). Cytogenetic location: 14q32.32.
Variant type: single nucleotide variant.
Coding change: c.1164C>A on transcript NM_006035.4 (MANE Select); coding-DNA position 1164, C replaced by A.
Protein change: p.His388Gln; replaces histidine 388 with glutamine.
Molecular consequence: missense variant.
Genome position (GRCh38, 1-based): chr14:102,978,182, G>T on the plus strand (C>A on the coding strand, the complement: CDC42BPB is on the minus strand). VCF-style: chr14-102978182-G-T. GRCh37 (hg19) VCF-style: chr14-103444519-G-T.
Other names: short protein forms H388Q.
Identifiers: ClinVar variation 1696964 (VCV001696964.3), dbSNP rs1437531053, ClinGen allele CA391090252.

ClinVar aggregate classification (germline): Uncertain significance (1 of 4 stars; one submission).

Allele frequency attached by ClinVar (database versions not stated): TOPMed below 0.00001; gnomAD 0.00001; gnomAD exomes below 0.00001.
gnomAD v4.1: 1 of 1,613,316 alleles (0.000062%); highest among the groups gnomAD compares: African/African-American, 0.0013%; no homozygotes.

Submission:

GeneDx
Classification: Uncertain significance. Last evaluated: 2025-12-15. Review status: criteria provided, single submitter. Criteria: GeneDx Variant Classification Process June 2021. Collection method: clinical testing. Allele origin: germline. Affected: yes.
Comment: In silico analysis supports that this missense variant has a deleterious effect on protein structure/function; Has not been previously published as pathogenic or benign to our knowledge